The following is an entry in ClinVar:

ClinVar aggregate classification (germline): Benign. Review status: criteria provided, multiple submitters, no conflicts (2 of 4 stars). 3 submissions from 3 submitters: Benign (2). 1 of the submissions does not count toward it. Last evaluated 2018-05-21.

Conditions:
HAP1-related disorder. Also called: HAP1-related condition.

Allele frequency attached by ClinVar (database versions not stated): gnomAD exomes 0.00171 and 0.00447; ExAC 0.00570; gnomAD 0.01664 and 0.01793; ESP Exome Variant Server 0.01822; TOPMed 0.01896; 1000 Genomes Project 0.01937; 1000 Genomes Project 30x 0.02046.
gnomAD v4.1: 5,153 of 1,613,478 alleles (0.32%); highest among the groups gnomAD compares: African/African-American, 5.8%; 124 homozygotes.

Submissions (3):

Labcorp Genetics (formerly Invitae), Labcorp
Classification: Benign. Last evaluated: 2018-05-21. Review status: criteria provided, single submitter. Criteria: Invitae Variant Classification Sherloc (09022015). Collection method: clinical testing. Allele origin: germline.

Breakthrough Genomics
Classification: Benign. Review status: criteria provided, single submitter. Criteria: ACMG Guidelines, 2015. Collection method: not provided. Allele origin: germline. Inheritance: Unknown mechanism. Affected: yes.

PreventionGenetics, part of Exact Sciences
Classification: Benign for HAP1-related condition. Last evaluated: 2019-05-24. Review status: no assertion criteria provided. Collection method: clinical testing. Allele origin: germline. Not counted in ClinVar's aggregate classification.
Comment: This variant is classified as benign based on ACMG/AMP sequence variant interpretation guidelines (Richards et al. 2015 PMID: 25741868, with internal and published modifications).

NM_177977.3(HAP1):c.1106T>C (p.Val369Ala)

Gene: HAP1 (huntingtin associated protein 1; minus strand). Cytogenetic location: 17q21.2.
Variant type: single nucleotide variant.
Coding change: c.1106T>C on transcript NM_177977.3 (MANE Select); coding-DNA position 1106, T replaced by C.
Protein change: p.Val369Ala; replaces valine 369 with alanine.
Molecular consequence: missense variant.
Genome position (GRCh38, 1-based): chr17:41,728,295, A>G on the plus strand (T>C on the coding strand, the complement: HAP1 is on the minus strand). VCF-style: chr17-41728295-A-G. GRCh37 (hg19) VCF-style: chr17-39884547-A-G.
Other names: c.1130T>C, p.Val377Ala (NM_001079870.1); c.1106T>C, p.Val369Ala (NM_001079871.1, NM_001367459.1, NM_001367460.1 and 2 more transcripts); short protein forms V369A, V377A.
Identifiers: ClinVar variation 787453 (VCV000787453.6), dbSNP rs147253461, ClinGen allele CA8564547.
Genomic context (GRCh38, chr17:41,728,295, plus strand): 5'-GCCTGCAGCCGAGCGACCTCCTGCTGCTGCCGTTCATAGTTTTCCAGCCTGAGCACCAGC[A>G]CCTCCGACAGCTCAGCCATCTGTTGGCTGGCCTCCGCTGGGGAGGGCAGAGGACAGGTCA-3'
Protein context (NP_817084.2, residues 359-379): ASQQMAELSE[Val369Ala]LVLRLENYER